The following is an entry in ClinVar:

NM_032638.5(GATA2):c.736A>G (p.Ile246Val)

Gene: GATA2 (GATA binding protein 2; minus strand). Cytogenetic location: 3q21.3.
Variant type: single nucleotide variant.
Coding change: c.736A>G on transcript NM_032638.5 (MANE Select); coding-DNA position 736, A replaced by G.
Protein change: p.Ile246Val; replaces isoleucine 246 with valine.
Molecular consequence: missense variant.
Genome position (GRCh38, 1-based): chr3:128,485,862, T>C on the plus strand (A>G on the coding strand, the complement: GATA2 is on the minus strand). VCF-style: chr3-128485862-T-C. GRCh37 (hg19) VCF-style: chr3-128204705-T-C.
Other names: c.736A>G, p.Ile246Val (NM_001145661.2, NM_001145662.1); short protein forms I246V.
Identifiers: ClinVar variation 4262140 (VCV004262140.1).

ClinVar aggregate classification (germline): Uncertain significance (1 of 4 stars; one submission).

Conditions:
Inborn genetic diseases. Identifiers: MedGen C0950123, MeSH D030342.

gnomAD v4.1: 2 of 1,613,772 alleles (0.00012%); highest among the groups gnomAD compares: Non-Finnish European, 0.00017%; no homozygotes.

Submission:

Ambry Genetics
Classification: Uncertain significance for Inborn genetic diseases. Last evaluated: 2025-08-15. Review status: criteria provided, single submitter. Criteria: Ambry Variant Classification Scheme 2023. Collection method: clinical testing. Allele origin: germline.
Comment: The p.I246V variant (also known as c.736A>G), located in coding exon 2 of the GATA2 gene, results from an A to G substitution at nucleotide position 736. The isoleucine at codon 246 is replaced by valine, an amino acid with highly similar properties. This amino acid position is conserved. In addition, the in silico prediction for this alteration is inconclusive. Based on the available evidence, the clinical significance of this variant remains unclear.